The following is an entry in ClinVar:

NM_005869.4(CWC27):c.76A>C (p.Ile26Leu)

Gene: CWC27 (CWC27 spliceosome associated cyclophilin; plus strand). Cytogenetic location: 5q12.3.
Variant type: single nucleotide variant.
Coding change: c.76A>C on transcript NM_005869.4 (MANE Select); coding-DNA position 76, A replaced by C.
Protein change: p.Ile26Leu; replaces isoleucine 26 with leucine.
Molecular consequence: missense variant.
Genome position (GRCh38, 1-based): chr5:64,774,724, A>C. VCF-style: chr5-64774724-A-C. GRCh37 (hg19) VCF-style: chr5-64070551-A-C.
Other names: c.76A>C, p.Ile26Leu (NM_001297644.1, NM_001297645.2, NM_001318000.2 and 1 more transcripts); short protein forms I26L.
Identifiers: ClinVar variation 1444829 (VCV001444829.6), dbSNP rs2112143355, ClinGen allele CA359839170.

ClinVar aggregate classification (germline): Uncertain significance (1 of 4 stars; one submission).

gnomAD v4.1: 1 of 1,604,144 alleles (0.000062%); highest among the groups gnomAD compares: Non-Finnish European, 0.000085%; no homozygotes.

Submission:

Labcorp Genetics (formerly Invitae), Labcorp
Classification: Uncertain significance. Last evaluated: 2022-06-04. Review status: criteria provided, single submitter. Criteria: Invitae Variant Classification Sherloc (09022015). Collection method: clinical testing. Allele origin: germline.
Comment: This sequence change replaces isoleucine, which is neutral and non-polar, with leucine, which is neutral and non-polar, at codon 26 of the CWC27 protein (p.Ile26Leu). This variant is not present in population databases (gnomAD no frequency). This variant has not been reported in the literature in individuals affected with CWC27-related conditions. ClinVar contains an entry for this variant (Variation ID: 1444829). Algorithms developed to predict the effect of missense changes on protein structure and function are either unavailable or do not agree on the potential impact of this missense change (SIFT: "Deleterious"; PolyPhen-2: "Possibly Damaging"; Align-GVGD: "Class C0"). In summary, the available evidence is currently insufficient to determine the role of this variant in disease. Therefore, it has been classified as a Variant of Uncertain Significance.